The following is an entry in ClinVar:

ClinVar aggregate classification (germline): Pathogenic (0 of 4 stars; one submission).

Conditions:
Intellectual disability. Also called: Intellectual functioning disability; intellectual disabilities; Intellectual developmental disorder. Identifiers: MedGen C3714756, MeSH D008607, MONDO:0001071, HP:0001249.

Submission:

Cytogénomique, Hospices Civils de Lyon
Classification: Pathogenic for Intellectual disability. Last evaluated: 2022-03-09. Review status: no assertion criteria provided. Collection method: clinical testing. Allele origin: de novo. Inheritance: Sporadic. Affected: yes. Observed: 1 variant allele, 1 heterozygote.
Comment: de novo, nonsense variant.

NM_001008537.3(NEXMIF):c.643G>T (p.Gly215Ter)

Gene: NEXMIF (neurite extension and migration factor; minus strand). Cytogenetic location: Xq13.3.
Variant type: single nucleotide variant.
Coding change: c.643G>T on transcript NM_001008537.3 (MANE Select); coding-DNA position 643, G replaced by T.
Protein change: p.Gly215Ter; replaces glycine 215 with a stop codon.
Molecular consequence: nonsense.
Genome position (GRCh38, 1-based): chrX:74,743,914, C>A on the plus strand (G>T on the coding strand, the complement: NEXMIF is on the minus strand). VCF-style: chrX-74743914-C-A. GRCh37 (hg19) VCF-style: chrX-73963749-C-A.
Other names: short protein forms G215*.
Identifiers: ClinVar variation 1343234 (VCV001343234.2), dbSNP rs2147441502, ClinGen allele CA413672868.
Genomic context (GRCh38, chrX:74,743,914, plus strand): 5'-AGCTTTTCTGAGCCGGATCCTCCAAGTCAATGTCAGGTTTCTCAGTTTCTCGTCTGTCTC[C>A]TGCCCTTGACTTATGCAGGGGGAAGCCTAGGAGCTGGTCTGAGAGCAGCTGCTCTCCATA-3'